The following is an entry in ClinVar:

ClinVar aggregate classification (germline): Uncertain significance (1 of 4 stars; one submission).

Conditions:
Chédiak-Higashi syndrome (CHS). Also called: Chediak-Higashi Syndrome. Identifiers: Orphanet 167, MedGen C0007965, MONDO:0008963, OMIM 214500.

Submission:

Labcorp Genetics (formerly Invitae), Labcorp
Classification: Uncertain significance for Chédiak-Higashi syndrome. Last evaluated: 2021-05-19. Review status: criteria provided, single submitter. Criteria: Invitae Variant Classification Sherloc (09022015). Collection method: clinical testing. Allele origin: germline.
Comment: Algorithms developed to predict the effect of missense changes on protein structure and function (SIFT, PolyPhen-2, Align-GVGD) all suggest that this variant is likely to be tolerated, but these predictions have not been confirmed by published functional studies and their clinical significance is uncertain. This variant has not been reported in the literature in individuals with LYST-related conditions. This variant is not present in population databases (ExAC no frequency). This sequence change replaces glutamic acid with valine at codon 467 of the LYST protein (p.Glu467Val). The glutamic acid residue is moderately conserved and there is a moderate physicochemical difference between glutamic acid and valine. In summary, the available evidence is currently insufficient to determine the role of this variant in disease. Therefore, it has been classified as a Variant of Uncertain Significance.

NM_000081.4(LYST):c.1400A>T (p.Glu467Val)

Gene: LYST (lysosomal trafficking regulator; minus strand). Cytogenetic location: 1q42.3.
Variant type: single nucleotide variant.
Coding change: c.1400A>T on transcript NM_000081.4 (MANE Select); coding-DNA position 1400, A replaced by T.
Protein change: p.Glu467Val; replaces glutamic acid 467 with valine.
Molecular consequence: missense variant.
Genome position (GRCh38, 1-based): chr1:235,809,418, T>A on the plus strand (A>T on the coding strand, the complement: LYST is on the minus strand). VCF-style: chr1-235809418-T-A. GRCh37 (hg19) VCF-style: chr1-235972718-T-A.
Other names: c.1400A>T, p.Glu467Val (NM_001301365.1); short protein forms E467V.
Identifiers: ClinVar variation 1355400 (VCV001355400.7), dbSNP rs1490730393, ClinGen allele CA344962491.